The following is an entry in ClinVar:

NM_007254.4(PNKP):c.937-20T>C

Gene: PNKP (polynucleotide kinase 3'-phosphatase; minus strand). Cytogenetic location: 19q13.33.
Variant type: single nucleotide variant.
Coding change: c.937-20T>C on transcript NM_007254.4 (MANE Select); 20 bases into the intron before coding-DNA position 937, T replaced by C.
Molecular consequence: intron variant.
Genome position (GRCh38, 1-based): chr19:49,862,483, A>G on the plus strand (T>C on the coding strand, the complement: PNKP is on the minus strand). VCF-style: chr19-49862483-A-G. GRCh37 (hg19) VCF-style: chr19-50365740-A-G.
Identifiers: ClinVar variation 382331 (VCV000382331.1), dbSNP rs894694605, ClinGen allele CA16608208.

ClinVar aggregate classification (germline): Likely benign (1 of 4 stars; one submission).

Allele frequency attached by ClinVar (database versions not stated): TOPMed 0.00001 and 0.00002; gnomAD exomes below 0.00001.
gnomAD v4.1: 1 of 1,595,776 alleles (0.000063%); highest among the groups gnomAD compares: African/African-American, 0.0013%; no homozygotes.

Submission:

GeneDx
Classification: Likely benign. Last evaluated: 2015-12-22. Review status: criteria provided, single submitter. Criteria: GeneDx Variant Classification (06012015). Collection method: clinical testing. Allele origin: germline. Affected: yes.
Comment: This variant is considered likely benign or benign based on one or more of the following criteria: it is a conservative change, it occurs at a poorly conserved position in the protein, it is predicted to be benign by multiple in silico algorithms, and/or has population frequency not consistent with disease.